The following is an entry in ClinVar:

NM_199355.4(ADAMTS18):c.515G>T (p.Arg172Leu)

Gene: ADAMTS18 (ADAM metallopeptidase with thrombospondin type 1 motif 18; minus strand). Cytogenetic location: 16q23.1.
Variant type: single nucleotide variant.
Coding change: c.515G>T on transcript NM_199355.4 (MANE Select); coding-DNA position 515, G replaced by T.
Protein change: p.Arg172Leu; replaces arginine 172 with leucine.
Molecular consequence: missense variant. On other transcripts: 5 prime UTR variant (1).
Genome position (GRCh38, 1-based): chr16:77,367,704, C>A on the plus strand (G>T on the coding strand, the complement: ADAMTS18 is on the minus strand). VCF-style: chr16-77367704-C-A. GRCh37 (hg19) VCF-style: chr16-77401601-C-A.
Other names: c.-6G>T (NM_001326358.2); short protein forms R172L.
Identifiers: ClinVar variation 2094514 (VCV002094514.4), dbSNP rs770516167, ClinGen allele CA396826079.
Genomic context (GRCh38, chr16:77,367,704, plus strand): 5'-CTGTAGTTGTGTTCCTGGGCCAGAAGCTGAGGTAATGGCGAGATGAGGAATTCATTTTTT[C>A]GTGTCCTTATTAAACCTGACTAAAAAGCCAAACACAAAGCAAACAGTCATGATTCCATGC-3'
Protein context (NP_955387.1, residues 162-182): CAGLSGLIRT[Arg172Leu]KNEFLISPLP

ClinVar aggregate classification (germline): Uncertain significance (1 of 4 stars; one submission).

Submission:

Labcorp Genetics (formerly Invitae), Labcorp
Classification: Uncertain significance. Last evaluated: 2021-12-22. Review status: criteria provided, single submitter. Criteria: Invitae Variant Classification Sherloc (09022015). Collection method: clinical testing. Allele origin: germline.
Comment: This sequence change replaces arginine, which is basic and polar, with leucine, which is neutral and non-polar, at codon 172 of the ADAMTS18 protein (p.Arg172Leu). In summary, the available evidence is currently insufficient to determine the role of this variant in disease. Therefore, it has been classified as a Variant of Uncertain Significance. Algorithms developed to predict the effect of missense changes on protein structure and function are either unavailable or do not agree on the potential impact of this missense change (SIFT: "Not Available"; PolyPhen-2: "Benign"; Align-GVGD: "Not Available"). This variant has not been reported in the literature in individuals affected with ADAMTS18-related conditions. This variant is not present in population databases (gnomAD no frequency).